The following is an entry in ClinVar:

NM_032130.3(FAM186B):c.2029A>G (p.Ser677Gly)

Gene: FAM186B (family with sequence similarity 186 member B; minus strand). Cytogenetic location: 12q13.12.
Variant type: single nucleotide variant.
Coding change: c.2029A>G on transcript NM_032130.3 (MANE Select); coding-DNA position 2029, A replaced by G.
Protein change: p.Ser677Gly; replaces serine 677 with glycine.
Molecular consequence: missense variant. On other transcripts: non-coding transcript variant (1).
Genome position (GRCh38, 1-based): chr12:49,599,611, T>C on the plus strand (A>G on the coding strand, the complement: FAM186B is on the minus strand). VCF-style: chr12-49599611-T-C. GRCh37 (hg19) VCF-style: chr12-49993394-T-C.
Other names: short protein forms S677G.
Identifiers: ClinVar variation 2350305 (VCV002350305.5), dbSNP rs142724836, ClinGen allele CA6554578.

ClinVar aggregate classification (germline): Uncertain significance. Review status: criteria provided, multiple submitters, no conflicts (2 of 4 stars). 2 submissions from 2 submitters: Uncertain significance (2). Last evaluated 2025-08-07.

Allele frequency attached by ClinVar (database versions not stated): ExAC 0.00015; TOPMed 0.00017; gnomAD 0.00019; ESP Exome Variant Server 0.00046; gnomAD exomes 0.00046.
gnomAD v4.1: 686 of 1,611,456 alleles (0.043%); highest among the groups gnomAD compares: Non-Finnish European, 0.056%; no homozygotes.

Submissions (2):

Ambry Genetics
Classification: Uncertain significance. Last evaluated: 2025-08-07. Review status: criteria provided, single submitter. Criteria: Ambry Variant Classification Scheme 2023. Collection method: clinical testing. Allele origin: germline.

Labcorp Genetics (formerly Invitae), Labcorp
Classification: Uncertain significance. Last evaluated: 2024-10-31. Review status: criteria provided, single submitter. Criteria: Invitae Variant Classification Sherloc (09022015). Collection method: clinical testing. Allele origin: germline.
Comment: This sequence change replaces serine, which is neutral and polar, with glycine, which is neutral and non-polar, at codon 677 of the FAM186B protein (p.Ser677Gly). This variant is present in population databases (rs142724836, gnomAD 0.04%). This variant has not been reported in the literature in individuals affected with FAM186B-related conditions. ClinVar contains an entry for this variant (Variation ID: 2350305). An algorithm developed to predict the effect of missense changes on protein structure and function outputs the following: PolyPhen-2: "Benign". The glycine amino acid residue is found in multiple mammalian species, which suggests that this missense change does not adversely affect protein function. In summary, the available evidence is currently insufficient to determine the role of this variant in disease. Therefore, it has been classified as a Variant of Uncertain Significance.